The following is an entry in ClinVar:

ClinVar aggregate classification (germline): Uncertain significance (1 of 4 stars; one submission).

Conditions:
Retinitis pigmentosa 78 (RP78). Identifiers: MedGen C4479481, MONDO:0044314, OMIM 617433.

Allele frequency attached by ClinVar (database versions not stated): gnomAD 0.00001; gnomAD exomes 0.00001; ESP Exome Variant Server 0.00008; 1000 Genomes Project 30x 0.00016; 1000 Genomes Project 0.00020.

Submission:

Labcorp Genetics (formerly Invitae), Labcorp
Classification: Uncertain significance. Last evaluated: 2022-03-13. Review status: criteria provided, single submitter. Criteria: Invitae Variant Classification Sherloc (09022015). Collection method: clinical testing. Allele origin: germline.
Comment: In summary, the available evidence is currently insufficient to determine the role of this variant in disease. Therefore, it has been classified as a Variant of Uncertain Significance. Algorithms developed to predict the effect of missense changes on protein structure and function output the following: SIFT: "Tolerated"; PolyPhen-2: "Benign"; Align-GVGD: "Class C0". The leucine amino acid residue is found in multiple mammalian species, which suggests that this missense change does not adversely affect protein function. ClinVar contains an entry for this variant (Variation ID: 1023463). This variant has not been reported in the literature in individuals affected with ARHGEF18-related conditions. This variant is present in population databases (rs149572002, gnomAD 0.006%). This sequence change replaces proline, which is neutral and non-polar, with leucine, which is neutral and non-polar, at codon 718 of the ARHGEF18 protein (p.Pro718Leu).

NM_001367823.1(ARHGEF18):c.2717C>T (p.Pro906Leu)

Gene: ARHGEF18 (Rho/Rac guanine nucleotide exchange factor 18; plus strand). Cytogenetic location: 19p13.2.
Variant type: single nucleotide variant.
Coding change: c.2717C>T on transcript NM_001367823.1 (MANE Select); coding-DNA position 2717, C replaced by T.
Protein change: p.Pro906Leu; replaces proline 906 with leucine.
Molecular consequence: missense variant.
Genome position (GRCh38, 1-based): chr19:7,463,899, C>T. VCF-style: chr19-7463899-C-T. GRCh37 (hg19) VCF-style: chr19-7528785-C-T.
Other names: c.1991C>T, p.Pro664Leu (NM_001130955.2); c.1679C>T, p.Pro560Leu (NM_001367824.1, NM_015318.4); c.2153C>T (NM_001130955.1); short protein forms P560L, P664L, P906L.
Identifiers: ClinVar variation 1023463 (VCV001023463.11), dbSNP rs149572002, ClinGen allele CA304854609.